The following is an entry in ClinVar:

ClinVar aggregate classification (germline): Uncertain significance (1 of 4 stars; one submission).

Conditions:
Complement component 3 deficiency. Identifiers: Orphanet 280133, MedGen C3151071, MONDO:0013417, OMIM 613779.
C3 glomerulonephritis. Also called: Nephropathy due to CFHR5 Deficiency; C3 GLOMERULOPATHY 3. Identifiers: Orphanet 329931, MedGen C4055342, MONDO:0013892, OMIM 614809.
Atypical hemolytic-uremic syndrome. Identifiers: Orphanet 2134, MedGen C2931788, MONDO:0016244.

Submission:

Genomenon, Inc
Classification: Uncertain significance for Complement component 3 deficiency; C3 glomerulonephritis; Atypical hemolytic-uremic syndrome. Last evaluated: 2025-09-30. Review status: criteria provided, single submitter. Criteria: Genomenon Sequence Variant Interpretation Standards. Collection method: curation. Allele origin: germline. Affected: no.
Comment: C3 p.Glu1035Ala (c.3104A>C) is a missense variant that changes the amino acid at residue 1035 from Glutamic acid to Alanine. This variant has been reported in the published literature (PMID:28254726;20083651;11034390). It is absent or not present at a significant frequency in gnomAD. In silico models agree that this variant is not damaging. In conclusion, we classify C3 p.Glu1035Ala (c.3104A>C) as a variant of unknown significance.

Literature cited by the submitters: PubMed 28254726; PubMed 20083651; PubMed 11034390.

NM_000064.4(C3):c.3104A>C (p.Glu1035Ala)

Gene: C3 (complement C3; minus strand). Cytogenetic location: 19p13.3.
Variant type: single nucleotide variant.
Coding change: c.3104A>C on transcript NM_000064.4 (MANE Select); coding-DNA position 3104, A replaced by C.
Protein change: p.Glu1035Ala; replaces glutamic acid 1035 with alanine.
Molecular consequence: missense variant.
Genome position (GRCh38, 1-based): chr19:6,694,481, T>G on the plus strand (A>C on the coding strand, the complement: C3 is on the minus strand). VCF-style: chr19-6694481-T-G. GRCh37 (hg19) VCF-style: chr19-6694492-T-G.
Other names: short protein forms E1035A.
Identifiers: ClinVar variation 4280186 (VCV004280186.1).